The following is an entry in ClinVar:

NM_001291303.3(FAT4):c.9137C>G (p.Ala3046Gly)

Gene: FAT4 (FAT atypical cadherin 4; plus strand). Cytogenetic location: 4q28.1.
Variant type: single nucleotide variant.
Coding change: c.9137C>G on transcript NM_001291303.3 (MANE Select); coding-DNA position 9137, C replaced by G.
Protein change: p.Ala3046Gly; replaces alanine 3046 with glycine.
Molecular consequence: missense variant.
Genome position (GRCh38, 1-based): chr4:125,450,147, C>G. VCF-style: chr4-125450147-C-G. GRCh37 (hg19) VCF-style: chr4-126371302-C-G.
Other names: c.9137C>G, p.Ala3046Gly (NM_001291285.3); c.9131C>G, p.Ala3044Gly (NM_024582.6); c.9131C>G (NM_024582.4); short protein forms A3044G, A3046G.
Identifiers: ClinVar variation 2040332 (VCV002040332.5), dbSNP rs775075654, ClinGen allele CA3073475.

ClinVar aggregate classification (germline): Uncertain significance. Review status: criteria provided, multiple submitters, no conflicts (2 of 4 stars). 2 submissions from 2 submitters: Uncertain significance (2). Last evaluated 2025-01-26.

Conditions:
Inborn genetic diseases. Identifiers: MedGen C0950123, MeSH D030342.

Allele frequency attached by ClinVar (database versions not stated): TOPMed 0.00002.
gnomAD v4.1: 4 of 1,613,720 alleles (0.00025%); highest among the groups gnomAD compares: East Asian, 0.0089%; no homozygotes.

Submissions (2):

Ambry Genetics
Classification: Uncertain significance for Inborn genetic diseases. Last evaluated: 2025-01-26. Review status: criteria provided, single submitter. Criteria: Ambry Variant Classification Scheme 2023. Collection method: clinical testing. Allele origin: germline.

Labcorp Genetics (formerly Invitae), Labcorp
Classification: Uncertain significance. Last evaluated: 2021-12-12. Review status: criteria provided, single submitter. Criteria: Invitae Variant Classification Sherloc (09022015). Collection method: clinical testing. Allele origin: germline.
Comment: This variant has not been reported in the literature in individuals affected with FAT4-related conditions. This variant is present in population databases (rs775075654, gnomAD 0.03%). This sequence change replaces alanine, which is neutral and non-polar, with glycine, which is neutral and non-polar, at codon 3044 of the FAT4 protein (p.Ala3044Gly). Advanced modeling of protein sequence and biophysical properties (such as structural, functional, and spatial information, amino acid conservation, physicochemical variation, residue mobility, and thermodynamic stability) performed at Invitae indicates that this missense variant is not expected to disrupt FAT4 protein function. In summary, the available evidence is currently insufficient to determine the role of this variant in disease. Therefore, it has been classified as a Variant of Uncertain Significance.